The following is an entry in ClinVar:

NM_007294.4(BRCA1):c.5025T>C (p.Thr1675=)

Gene: BRCA1 (BRCA1 DNA repair associated; minus strand). Cytogenetic location: 17q21.31.
Variant type: single nucleotide variant.
Coding change: c.5025T>C on transcript NM_007294.4 (MANE Select); coding-DNA position 5025, T replaced by C.
Protein change: p.Thr1675=; no amino-acid change (threonine 1675 retained).
Molecular consequence: synonymous variant. On other transcripts: intron variant (1).
Genome position (GRCh38, 1-based): chr17:43,067,657, A>G on the plus strand (T>C on the coding strand, the complement: BRCA1 is on the minus strand). VCF-style: chr17-43067657-A-G. GRCh37 (hg19) VCF-style: chr17-41219674-A-G.
Other names: c.4812T>C, p.Thr1604= (NM_001407571.1, NM_001407894.1, NM_001407895.1 and 12 more transcripts); c.5091T>C, p.Thr1697= (NM_001407581.1, NM_001407582.1); c.5088T>C, p.Thr1696= (NM_001407583.1, NM_001407585.1, NM_001407587.1 and 1 more transcripts); c.5085T>C, p.Thr1695= (NM_001407590.1, NM_001407591.1); c.5025T>C, p.Thr1675= (NM_001407593.1, NM_001407594.1, NM_001407596.1 and 8 more transcripts); c.5022T>C, p.Thr1674= (NM_001407610.1, NM_001407611.1, NM_001407612.1 and 17 more transcripts); c.5019T>C, p.Thr1673= (NM_001407627.1, NM_001407628.1, NM_001407629.1 and 14 more transcripts); c.5016T>C, p.Thr1672= (NM_001407644.1, NM_001407645.1); and 71 more.
Identifiers: ClinVar variation 229833 (VCV000229833.26), dbSNP rs876658226, ClinGen allele CA10580502.

ClinVar aggregate classification (germline): Likely benign. Review status: reviewed by expert panel (3 of 4 stars). 6 submissions from 6 submitters: Likely benign (1). 5 of the submissions do not count toward it. Last evaluated 2017-06-29.

Conditions:
Breast-ovarian cancer, familial, susceptibility to, 1 (BROVCA1). Also called: BRCA1 Hereditary Breast and Ovarian Cancer; OVARIAN CANCER, SUSCEPTIBILITY TO. Identifiers: Orphanet 145, MedGen C2676676, MONDO:0011450, OMIM 604370. Disease mechanism: loss of function.
Hereditary breast ovarian cancer syndrome. Also called: Breast and ovarian cancer; Hereditary breast and ovarian cancer; Hereditary breast and ovarian cancer syndrome; Hereditary breast and/or ovarian cancer syndrome; BRCA1- and BRCA2-Associated Hereditary Breast and Ovarian Cancer; Hereditary breast and ovarian cancer syndrome (HBOC). Identifiers: Orphanet 145, MedGen C0677776, MeSH D061325, MONDO:0003582. Disease mechanism: loss of function.
Hereditary cancer-predisposing syndrome. Also called: Tumor predisposition; Hereditary Cancer Syndrome; Neoplastic Syndromes, Hereditary; Hereditary neoplastic syndrome. Identifiers: Orphanet 140162, MedGen C0027672, MeSH D009386, MONDO:0015356.

Allele frequency attached by ClinVar (database versions not stated): gnomAD exomes below 0.00001.
gnomAD v4.1: 2 of 1,613,608 alleles (0.00012%); highest among the groups gnomAD compares: East Asian, 0.0022%; no homozygotes.

Submissions (6):

Evidence-based Network for the Interpretation of Germline Mutant Alleles (ENIGMA)
Classification: Likely benign for Breast-ovarian cancer, familial, susceptibility to, 1. Last evaluated: 2017-06-29. Review status: reviewed by expert panel. Criteria: ENIGMA BRCA1/2 Classification Criteria (2017-06-29). Collection method: curation. Allele origin: germline.
Comment: Synonymous substitution variant, with low bioinformatic likelihood to result in a splicing aberration (Splicing prior probability 0.02).

Labcorp Genetics (formerly Invitae), Labcorp
Classification: Likely benign for Hereditary breast ovarian cancer syndrome. Last evaluated: 2025-08-24. Review status: criteria provided, single submitter. Criteria: Invitae Variant Classification Sherloc (09022015). Collection method: clinical testing. Allele origin: germline. Not counted in ClinVar's aggregate classification.

Quest Diagnostics Nichols Institute San Juan Capistrano
Classification: Likely benign. Last evaluated: 2025-04-11. Review status: criteria provided, single submitter. Criteria: Quest Diagnostics criteria. Collection method: clinical testing. Allele origin: unknown. Not counted in ClinVar's aggregate classification.

Color Diagnostics, LLC DBA Color Health
Classification: Likely benign for Hereditary cancer-predisposing syndrome. Last evaluated: 2019-08-02. Review status: criteria provided, single submitter. Criteria: ACMG Guidelines, 2015. Collection method: clinical testing. Allele origin: germline. Not counted in ClinVar's aggregate classification.

ARUP Laboratories, Molecular Genetics and Genomics, ARUP Laboratories
Classification: Likely benign. Last evaluated: 2018-01-02. Review status: criteria provided, single submitter. Criteria: ARUP Molecular Germline Variant Investigation Process. Collection method: clinical testing. Allele origin: germline. Not counted in ClinVar's aggregate classification.
Comment: The BRCA1 c.5025T>C; p.Thr1675Thr variant is not reported in the medical literature or in gene-specific databases. The variant is listed in the ClinVar database (Variation ID: 229833), in the dbSNP variant database (rs876658226), and in the Genome Aggregation Database in 1 out of 216164 alleles. This is a silent variant, the nucleotide at this position is weakly conserved, and computational algorithms (SpliceSiteFinder-like, MaxEntScan, NNSplice, GeneSplicer, Human Splicing Finder) predict no change to splicing. Considering available information, this variant is classified as likely benign.

Ambry Genetics
Classification: Likely benign for Hereditary cancer-predisposing syndrome. Last evaluated: 2015-01-06. Review status: criteria provided, single submitter. Criteria: Ambry Variant Classification Scheme 2023. Collection method: clinical testing. Allele origin: germline. Not counted in ClinVar's aggregate classification.

Literature cited by the submitters: PubMed 32467295 (cited by Quest Diagnostics Nichols Institute San Juan Capistrano).